The following is an entry in ClinVar:

NM_001190737.2(NFIB):c.*30C>A

Gene: NFIB (nuclear factor I B; minus strand). Cytogenetic location: 9p23.
Variant type: single nucleotide variant.
Coding change: c.*30C>A on transcript NM_001190737.2 (MANE Select); 30 bases downstream of the stop codon, C replaced by A.
Molecular consequence: 3 prime UTR variant. On other transcripts: missense variant (14), non-coding transcript variant (4).
Genome position (GRCh38, 1-based): chr9:14,088,279, G>T on the plus strand (C>A on the coding strand, the complement: NFIB is on the minus strand). VCF-style: chr9-14088279-G-T. GRCh37 (hg19) VCF-style: chr9-14088278-G-T.
Other names: c.*30C>A (NM_001190738.2, NM_001369465.1, NM_001369468.1 and 10 more transcripts); c.848C>A, p.Thr283Lys (NM_001282787.2); c.1697C>A, p.Thr566Lys (NM_001369458.1); c.1670C>A, p.Thr557Lys (NM_001369459.1); c.1619C>A, p.Thr540Lys (NM_001369460.1); c.1604C>A, p.Thr535Lys (NM_001369461.1); c.1448C>A, p.Thr483Lys (NM_001369462.1); c.1447C>A, p.His483Asn (NM_001369463.1); and 7 more; short protein forms H483N, T282K, T283K, T386K, T413K, T452K, T457K, T461K.
Identifiers: ClinVar variation 4070621 (VCV004070621.1).

ClinVar aggregate classification (germline): Uncertain significance (1 of 4 stars; one submission).

Submission:

GeneDx
Classification: Uncertain significance. Last evaluated: 2025-01-21. Review status: criteria provided, single submitter. Criteria: GeneDx Variant Classification Process June 2021. Collection method: clinical testing. Allele origin: germline. Affected: yes.
Comment: Not observed at significant frequency in large population cohorts (gnomAD); In silico analysis indicates that this missense variant does not alter protein structure/function; Has not been previously published as pathogenic or benign to our knowledge; Variant is in an alternate transcript